The following is an entry in ClinVar:

NM_006876.3(B4GAT1):c.838C>A (p.Gln280Lys)

Gene: B4GAT1 (beta-1,4-glucuronyltransferase 1; minus strand). Cytogenetic location: 11q13.2.
Variant type: single nucleotide variant.
Coding change: c.838C>A on transcript NM_006876.3 (MANE Select); coding-DNA position 838, C replaced by A.
Protein change: p.Gln280Lys; replaces glutamine 280 with lysine.
Molecular consequence: missense variant.
Genome position (GRCh38, 1-based): chr11:66,346,708, G>T on the plus strand (C>A on the coding strand, the complement: B4GAT1 is on the minus strand). VCF-style: chr11-66346708-G-T. GRCh37 (hg19) VCF-style: chr11-66114179-G-T.
Other names: short protein forms Q280K.
Identifiers: ClinVar variation 1387762 (VCV001387762.6), dbSNP rs1187161687, ClinGen allele CA381417542.

ClinVar aggregate classification (germline): Uncertain significance (1 of 4 stars; one submission).

Conditions:
Muscular dystrophy-dystroglycanopathy (congenital with brain and eye anomalies), type A13. Also called: WALKER-WARBURG SYNDROME OR MUSCLE-EYE-BRAIN DISEASE, B3GNT1-RELATED; Muscular dystrophy-dystroglycanopathy (congenital with brain and eye anomalies), type a, 13. Identifiers: Orphanet 899, MedGen C3809042, MONDO:0014120, OMIM 615287.

Submission:

Labcorp Genetics (formerly Invitae), Labcorp
Classification: Uncertain significance for Muscular dystrophy-dystroglycanopathy (congenital with brain and eye anomalies), type A13. Last evaluated: 2022-08-23. Review status: criteria provided, single submitter. Criteria: Invitae Variant Classification Sherloc (09022015). Collection method: clinical testing. Allele origin: germline.
Comment: This sequence change replaces glutamine, which is neutral and polar, with lysine, which is basic and polar, at codon 280 of the B4GAT1 protein (p.Gln280Lys). This variant is not present in population databases (gnomAD no frequency). This variant has not been reported in the literature in individuals affected with B4GAT1-related conditions. ClinVar contains an entry for this variant (Variation ID: 1387762). Algorithms developed to predict the effect of missense changes on protein structure and function output the following: SIFT: "Tolerated"; PolyPhen-2: "Benign"; Align-GVGD: "Class C0". The lysine amino acid residue is found in multiple mammalian species, which suggests that this missense change does not adversely affect protein function. In summary, the available evidence is currently insufficient to determine the role of this variant in disease. Therefore, it has been classified as a Variant of Uncertain Significance.